The following is an entry in ClinVar:

NM_001393769.1(MED12L):c.5549A>T (p.Asn1850Ile)

Gene: MED12L (mediator complex subunit 12L; plus strand). Cytogenetic location: 3q25.1.
Variant type: single nucleotide variant.
Coding change: c.5549A>T on transcript NM_001393769.1 (MANE Select); coding-DNA position 5549, A replaced by T.
Protein change: p.Asn1850Ile; replaces asparagine 1850 with isoleucine.
Molecular consequence: missense variant.
Genome position (GRCh38, 1-based): chr3:151,390,076, A>T. VCF-style: chr3-151390076-A-T. GRCh37 (hg19) VCF-style: chr3-151107864-A-T.
Other names: c.5444A>T, p.Asn1815Ile (NM_053002.6); short protein forms N1815I, N1850I.
Identifiers: ClinVar variation 4056610 (VCV004056610.1).

ClinVar aggregate classification (germline): Uncertain significance (1 of 4 stars; one submission).

Conditions:
Nizon-Isidor syndrome. Identifiers: MedGen C5394350, MONDO:0030030, OMIM 618872.

Submission:

Laboratorio de Genetica e Diagnostico Molecular, Hospital Israelita Albert Einstein
Classification: Uncertain significance for Nizon-Isidor syndrome. Last evaluated: 2023-09-28. Review status: criteria provided, single submitter. Criteria: ACMG Guidelines, 2015. Collection method: clinical testing. Allele origin: germline. Affected: yes.
Comment: ACMG classification criteria: PM2 moderate, BP4 supporting